The following is an entry in ClinVar:

NM_032608.7(MYO18B):c.5030C>T (p.Ser1677Phe)

Gene: MYO18B (myosin XVIIIB; plus strand). Cytogenetic location: 22q12.1.
Variant type: single nucleotide variant.
Coding change: c.5030C>T on transcript NM_032608.7 (MANE Select); coding-DNA position 5030, C replaced by T.
Protein change: p.Ser1677Phe; replaces serine 1677 with phenylalanine.
Molecular consequence: missense variant.
Genome position (GRCh38, 1-based): chr22:25,903,713, C>T. VCF-style: chr22-25903713-C-T. GRCh37 (hg19) VCF-style: chr22-26299680-C-T.
Other names: c.5033C>T, p.Ser1678Phe (NM_001318245.2); short protein forms S1677F, S1678F.
Identifiers: ClinVar variation 1476969 (VCV001476969.5), dbSNP rs372882233, ClinGen allele CA10161048.

ClinVar aggregate classification (germline): Uncertain significance (1 of 4 stars; one submission).

Allele frequency attached by ClinVar (database versions not stated): gnomAD exomes 0.00001; ExAC 0.00003; ESP Exome Variant Server 0.00008.
gnomAD v4.1: 4 of 1,608,650 alleles (0.00025%); highest among the groups gnomAD compares: African/African-American, 0.004%; no homozygotes.

Submission:

Labcorp Genetics (formerly Invitae), Labcorp
Classification: Uncertain significance. Last evaluated: 2021-04-29. Review status: criteria provided, single submitter. Criteria: Invitae Variant Classification Sherloc (09022015). Collection method: clinical testing. Allele origin: germline.
Comment: Algorithms developed to predict the effect of missense changes on protein structure and function are either unavailable or do not agree on the potential impact of this missense change (SIFT: "Not Available"; PolyPhen-2: "Possibly Damaging"; Align-GVGD: "Not Available"). This sequence change replaces serine with phenylalanine at codon 1677 of the MYO18B protein (p.Ser1677Phe). The serine residue is weakly conserved and there is a large physicochemical difference between serine and phenylalanine. This variant is present in population databases (rs372882233, ExAC 0.03%). This variant has not been reported in the literature in individuals with MYO18B-related conditions. In summary, the available evidence is currently insufficient to determine the role of this variant in disease. Therefore, it has been classified as a Variant of Uncertain Significance.